The following is an entry in ClinVar:

ClinVar aggregate classification (germline): Uncertain significance (1 of 4 stars; one submission).

Conditions:
Hereditary cancer-predisposing syndrome. Also called: Hereditary Cancer Syndrome; Hereditary neoplastic syndrome; Tumor predisposition; Neoplastic Syndromes, Hereditary. Identifiers: Orphanet 140162, MedGen C0027672, MeSH D009386, MONDO:0015356.

Submission:

Ambry Genetics
Classification: Uncertain significance for Hereditary cancer-predisposing syndrome. Last evaluated: 2023-05-30. Review status: criteria provided, single submitter. Criteria: Ambry Variant Classification Scheme 2023. Collection method: clinical testing. Allele origin: germline.
Comment: The p.T799S variant (also known as c.2395A>T), located in coding exon 14 of the DICER1 gene, results from an A to T substitution at nucleotide position 2395. The threonine at codon 799 is replaced by serine, an amino acid with similar properties. This amino acid position is well conserved in available vertebrate species. In addition, this alteration is predicted to be tolerated by in silico analysis. Since supporting evidence is limited at this time, the clinical significance of this alteration remains unclear.

NM_177438.3(DICER1):c.2395A>T (p.Thr799Ser)

Gene: DICER1 (dicer 1, ribonuclease III; minus strand). Cytogenetic location: 14q32.13.
Variant type: single nucleotide variant.
Coding change: c.2395A>T on transcript NM_177438.3 (MANE Select); coding-DNA position 2395, A replaced by T.
Protein change: p.Thr799Ser; replaces threonine 799 with serine.
Molecular consequence: missense variant. On other transcripts: non-coding transcript variant (6).
Genome position (GRCh38, 1-based): chr14:95,108,365, T>A on the plus strand (A>T on the coding strand, the complement: DICER1 is on the minus strand). VCF-style: chr14-95108365-T-A. GRCh37 (hg19) VCF-style: chr14-95574702-T-A.
Other names: c.2395A>T, p.Thr799Ser (NM_001195573.1, NM_001271282.3, NM_001291628.2 and 13 more transcripts); c.2113A>T, p.Thr705Ser (NM_001395686.1); c.1990A>T, p.Thr664Ser (NM_001395687.1, NM_001395688.1, NM_001395689.1 and 2 more transcripts); c.1828A>T, p.Thr610Ser (NM_001395691.1); c.712A>T, p.Thr238Ser (NM_001395697.1); short protein forms T705S, T799S, T238S, T610S, T664S.
Identifiers: ClinVar variation 1790606 (VCV001790606.3), dbSNP rs1891647457, ClinGen allele CA390882134.